The following is an entry in ClinVar:

ClinVar aggregate classification (germline): Uncertain significance (1 of 4 stars; one submission).

Conditions:
Long QT syndrome (LQTS). Identifiers: MedGen C0023976, MeSH D008133, MONDO:0002442. Disease mechanism: loss of function. Inheritance: Various modes of inheritance.

Allele frequency attached by ClinVar (database versions not stated): TOPMed below 0.00001.

Submission:

Labcorp Genetics (formerly Invitae), Labcorp
Classification: Uncertain significance for Long QT syndrome. Last evaluated: 2021-01-07. Review status: criteria provided, single submitter. Criteria: Invitae Variant Classification Sherloc (09022015). Collection method: clinical testing. Allele origin: germline.
Comment: In summary, the available evidence is currently insufficient to determine the role of this variant in disease. Therefore, it has been classified as a Variant of Uncertain Significance. Algorithms developed to predict the effect of missense changes on protein structure and function output the following: SIFT: "Tolerated"; PolyPhen-2: "Benign"; Align-GVGD: "Class C0". The valine amino acid residue is found in multiple mammalian species, suggesting that this missense change does not adversely affect protein function. These predictions have not been confirmed by published functional studies and their clinical significance is uncertain. This variant has not been reported in the literature in individuals with ANK2-related conditions. This variant is not present in population databases (ExAC no frequency). This sequence change replaces isoleucine with valine at codon 181 of the ANK2 protein (p.Ile181Val). The isoleucine residue is moderately conserved and there is a small physicochemical difference between isoleucine and valine.

NM_001148.6(ANK2):c.541A>G (p.Ile181Val)

Gene: ANK2 (ankyrin 2; plus strand). Cytogenetic location: 4q26.
Variant type: single nucleotide variant.
Coding change: c.541A>G on transcript NM_001148.6 (MANE Select); coding-DNA position 541, A replaced by G.
Protein change: p.Ile181Val; replaces isoleucine 181 with valine.
Molecular consequence: missense variant.
Genome position (GRCh38, 1-based): chr4:113,237,044, A>G. VCF-style: chr4-113237044-A-G. GRCh37 (hg19) VCF-style: chr4-114158200-A-G.
Other names: c.478A>G, p.Ile160Val (NM_001127493.3, NM_001354239.2, NM_001354243.2 and 33 more transcripts); c.541A>G, p.Ile181Val (NM_001354225.2, NM_001354228.2, NM_001354232.2 and 9 more transcripts); c.586A>G, p.Ile196Val (NM_001354230.2, NM_001354231.2, NM_001354237.2 and 5 more transcripts); c.523A>G, p.Ile175Val (NM_001354261.2, NM_001386147.1, NM_001386160.1); c.529A>G, p.Ile177Val (NM_001354269.3, NM_001386148.2, NM_001386186.2 and 1 more transcripts); c.592A>G, p.Ile198Val (NM_001386174.1, NM_001386175.1); short protein forms I175V, I181V, I196V, I198V, I160V, I177V.
Identifiers: ClinVar variation 1363143 (VCV001363143.8), dbSNP rs758739035, ClinGen allele CA103795817.